The following is an entry in ClinVar:

NM_000540.3(RYR1):c.7615-15C>T

Gene: RYR1 (ryanodine receptor 1; plus strand). Cytogenetic location: 19q13.2.
Variant type: single nucleotide variant.
Coding change: c.7615-15C>T on transcript NM_000540.3 (MANE Select); 15 bases into the intron before coding-DNA position 7615, C replaced by T.
Molecular consequence: intron variant.
Genome position (GRCh38, 1-based): chr19:38,502,492, C>T. VCF-style: chr19-38502492-C-T. GRCh37 (hg19) VCF-style: chr19-38993132-C-T.
Other names: c.7615-15C>T (NM_001042723.2).
Identifiers: ClinVar variation 3385448 (VCV003385448.1).
Genomic context (GRCh38, chr19:38,502,492, plus strand): 5'-ACAGTCGCTCAAGACAGGTGCCAGAGCAGCCCCAGGGGTGTGCAGCGGGCCTGATGTCCT[C>T]ACCCTGCGCCCTAGGCCACTTTCAGCACCACCGAGATGGCGCTGGCGCTGAACCGCTACC-3'

ClinVar aggregate classification (germline): Likely benign (1 of 4 stars; one submission).

Conditions:
Malignant hyperthermia, susceptibility to, 1 (MHS1). Also called: Anesthesia related hyperthermia; Malignant hyperpyrexia; Fulminating hyperpyrexia; Pharmacogenic myopathy; Malignant hyperthermia suceptibility 1; RYR1-Related Malignant Hyperthermia Susceptibility. Identifiers: Orphanet 423, MedGen C2930980, MONDO:0007783, OMIM 145600.

Submission:

All of Us Research Program, National Institutes of Health
Classification: Likely benign for Malignant hyperthermia, susceptibility to, 1. Last evaluated: 2024-03-14. Review status: criteria provided, single submitter. Criteria: ACMG Guidelines, 2015. Collection method: clinical testing. Allele origin: germline. Inheritance: Autosomal dominant inheritance. Observed: 1 variant allele, 1 heterozygote.
Comment: This study involves interpretation of variants in research participants for the purpose of population health screening. Participant phenotype was not available at the time of variant classification. Additional details can be found in publication PMID: 35346344, PMCID: PMC8962531